The following is an entry in ClinVar:

NM_004055.5(CAPN5):c.896C>T (p.Ser299Leu)

Gene: CAPN5 (calpain 5; plus strand). Cytogenetic location: 11q13.5.
Variant type: single nucleotide variant.
Coding change: c.896C>T on transcript NM_004055.5 (MANE Select); coding-DNA position 896, C replaced by T.
Protein change: p.Ser299Leu; replaces serine 299 with leucine.
Molecular consequence: missense variant.
Genome position (GRCh38, 1-based): chr11:77,116,228, C>T. VCF-style: chr11-77116228-C-T. GRCh37 (hg19) VCF-style: chr11-76827274-C-T.
Other names: short protein forms S299L.
Identifiers: ClinVar variation 1905284 (VCV001905284.5), dbSNP rs782801712, ClinGen allele CA6196604.

ClinVar aggregate classification (germline): Uncertain significance (1 of 4 stars; one submission).

Allele frequency attached by ClinVar (database versions not stated): ExAC 0.00001; gnomAD 0.00001; gnomAD exomes 0.00001; TOPMed 0.00001.
gnomAD v4.1: 13 of 1,611,404 alleles (0.00081%); highest among the groups gnomAD compares: South Asian, 0.0033%; no homozygotes.

Submission:

Labcorp Genetics (formerly Invitae), Labcorp
Classification: Uncertain significance. Last evaluated: 2022-07-27. Review status: criteria provided, single submitter. Criteria: Invitae Variant Classification Sherloc (09022015). Collection method: clinical testing. Allele origin: germline.
Comment: This sequence change replaces serine, which is neutral and polar, with leucine, which is neutral and non-polar, at codon 299 of the CAPN5 protein (p.Ser299Leu). The frequency data for this variant in the population databases is considered unreliable, as metrics indicate poor data quality at this position in the gnomAD database. In summary, the available evidence is currently insufficient to determine the role of this variant in disease. Therefore, it has been classified as a Variant of Uncertain Significance. Algorithms developed to predict the effect of missense changes on protein structure and function are either unavailable or do not agree on the potential impact of this missense change (SIFT: "Tolerated"; PolyPhen-2: "Probably Damaging"; Align-GVGD: "Class C0"). This variant has not been reported in the literature in individuals affected with CAPN5-related conditions.